The following is an entry in ClinVar:

NM_004360.5(CDH1):c.854_855del (p.Thr285fs)

Gene: CDH1 (cadherin 1; plus strand). Cytogenetic location: 16q22.1.
Variant type: Microsatellite.
Coding change: c.854_855del on transcript NM_004360.5 (MANE Select); coding-DNA positions 854 to 855, 2 bases deleted (CA; older notation c.854_855delCA).
Protein change: p.Thr285fs; shifts the reading frame from threonine 285.
Molecular consequence: frameshift variant. On other transcripts: 5 prime UTR variant (2).
Genome position (GRCh38, 1-based): chr16:68,811,705-68,811,706, CA deleted; deleting any 2 consecutive bases within chr16:68,811,703-68,811,706 gives the same sequence; the c. name uses the placement nearest the transcript's 3' end. VCF-style (leftmost placement, unchanged base first): chr16-68811702-TCA-T. GRCh37 (hg19) VCF-style: chr16-68845605-TCA-T.
Other names: c.854_855del, p.Thr285fs (NM_001317184.2); c.-764CA[1] (NM_001317185.2); c.-968CA[1] (NM_001317186.2); short protein forms T285fs.
Identifiers: ClinVar variation 2845495 (VCV002845495.3), dbSNP rs2543922076, ClinGen allele CA2739266860.
Genomic context (GRCh38, chr16:68,811,702, plus strand): 5'-AGTGCAGCTTGTCTAAACCTTCATCTCCTTGAACTCTTCCAGGAACCTCTGTGATGGAGG[TCA>T]CAGCCACAGACGCGGACGATGATGTGAACACCTACAATGCCGCCATCGCTTACACCATCC-3'

ClinVar aggregate classification (germline): Pathogenic (1 of 4 stars; one submission).

Conditions:
Hereditary diffuse gastric adenocarcinoma (HDGC). Also called: DIFFUSE GASTRIC AND LOBULAR BREAST CANCER SYNDROME. Identifiers: Orphanet 26106, MedGen C1708349, MONDO:0007648, OMIM 137215.

Submission:

Labcorp Genetics (formerly Invitae), Labcorp
Classification: Pathogenic for Hereditary diffuse gastric adenocarcinoma. Last evaluated: 2023-03-13. Review status: criteria provided, single submitter. Criteria: Invitae Variant Classification Sherloc (09022015). Collection method: clinical testing. Allele origin: germline.
Comment: This sequence change creates a premature translational stop signal (p.Thr285Serfs*7) in the CDH1 gene. It is expected to result in an absent or disrupted protein product. Loss-of-function variants in CDH1 are known to be pathogenic (PMID: 15235021, 20373070). This variant is not present in population databases (gnomAD no frequency). This variant has not been reported in the literature in individuals affected with CDH1-related conditions. For these reasons, this variant has been classified as Pathogenic.

Literature cited by the submitters: PubMed 15235021; PubMed 20373070.